The following is an entry in ClinVar:

ClinVar aggregate classification (germline): Uncertain significance (1 of 4 stars; one submission).

Submission:

CeGaT Center for Human Genetics Tuebingen
Classification: Uncertain significance. Last evaluated: 2022-12-01. Review status: criteria provided, single submitter. Criteria: CeGaT Center For Human Genetics Tuebingen Variant Classification Criteria Version 2. Collection method: clinical testing. Allele origin: germline. Affected: yes. Observed: 1 variant allele.
Comment: KCNH1: PM2, PP2, PP3, PS2:Supporting

NM_172362.3(KCNH1):c.1814G>A (p.Gly605Glu)

Gene: KCNH1 (potassium voltage-gated channel subfamily H member 1; minus strand). Cytogenetic location: 1q32.2.
Variant type: single nucleotide variant.
Coding change: c.1814G>A on transcript NM_172362.3 (MANE Select); coding-DNA position 1814, G replaced by A.
Protein change: p.Gly605Glu; replaces glycine 605 with glutamic acid.
Molecular consequence: missense variant.
Genome position (GRCh38, 1-based): chr1:210,797,609, C>T on the plus strand (G>A on the coding strand, the complement: KCNH1 is on the minus strand). VCF-style: chr1-210797609-C-T. GRCh37 (hg19) VCF-style: chr1-210970951-C-T.
Other names: c.1733G>A, p.Gly578Glu (NM_002238.4); short protein forms G578E, G605E.
Identifiers: ClinVar variation 1879109 (VCV001879109.29), dbSNP rs2526809300, ClinGen allele CA344872555.
Genomic context (GRCh38, chr1:210,797,609, plus strand): 5'-GAGCCAGAAACCACAAAGCAGAGGCTGTCAACGCTCTCTCCTGCATGGTAGATGAGGTCC[C>T]CTGGGGCACAGTGCACCGTCTGGAACTCCATGGCCAGTGCCCGGAGGCAGCCATCACTGG-3'
Protein context (NP_758872.1, residues 595-615): MEFQTVHCAP[Gly605Glu]DLIYHAGESV